The following is an entry in ClinVar:

ClinVar aggregate classification (germline): other (0 of 4 stars; one submission).

Conditions:
Familial colorectal cancer. Identifiers: MedGen CN280943, MONDO:0023113. Disease mechanism: loss of function.

Submission:

Systems Biology Platform Zhejiang California International NanoSystems Institute
Classification: other for Familial colorectal cancer. Review status: no assertion criteria provided. Collection method: not provided. Allele origin: unknown.
ClinVar note: Converted during submission from cancer to other.

NM_000038.6(APC):c.646-4667G>T

Gene: APC (APC regulator of WNT signaling pathway; plus strand). Cytogenetic location: 5q22.2.
Variant type: single nucleotide variant.
Coding change: c.646-4667G>T on transcript NM_000038.6 (MANE Select); 4667 bases into the intron before coding-DNA position 646, G replaced by T.
Molecular consequence: intron variant.
Genome position (GRCh38, 1-based): chr5:112,787,779, G>T. VCF-style: chr5-112787779-G-T. GRCh37 (hg19) VCF-style: chr5-112123476-G-T.
Other names: c.646-4667G>T (NM_001354895.2, NM_001127510.3, NM_001354896.2 and 1 more transcripts); c.676-4667G>T (NM_001354897.2, NM_001354902.2); c.675+6876G>T (NM_001127511.3); c.571-4667G>T (NM_001354898.2, NM_001354904.2); c.-390-4667G>T (NM_001354906.2); c.645+6876G>T (NM_001354899.2); c.469-4667G>T (NM_001354900.2, NM_001354901.2, NM_001354905.2).
Identifiers: ClinVar variation 82972 (VCV000082972.2), dbSNP rs76978900, ClinGen allele CA012000.
Genomic context (GRCh38, chr5:112,787,779, plus strand): 5'-TCCTCCCCACCAAATCTGTTATCTGTATTAGCCTCATAACAAAAATAAACTTTTATGATA[G>T]AGCTAAATTAGTTATATTGCCAGATTTATACATCTTTTCCTGTACTGAAGTCGTAAAGGT-3'